The following is an entry in ClinVar:

NM_014270.5(SLC7A9):c.988G>A (p.Val330Met)

Gene: SLC7A9 (solute carrier family 7 member 9; minus strand). Cytogenetic location: 19q13.11.
Variant type: single nucleotide variant.
Coding change: c.988G>A on transcript NM_014270.5 (MANE Select); coding-DNA position 988, G replaced by A.
Protein change: p.Val330Met; replaces valine 330 with methionine.
Molecular consequence: missense variant.
Genome position (GRCh38, 1-based): chr19:32,843,941, C>T on the plus strand (G>A on the coding strand, the complement: SLC7A9 is on the minus strand). VCF-style: chr19-32843941-C-T. GRCh37 (hg19) VCF-style: chr19-33334847-C-T.
Other names: c.988G>A, p.Val330Met (NM_001126335.2, NM_001243036.2); short protein forms V330M.
Identifiers: ClinVar variation 161392 (VCV000161392.12), dbSNP rs201618022, ClinGen allele CA211888.

ClinVar aggregate classification (germline): Uncertain significance. Review status: criteria provided, multiple submitters, no conflicts (2 of 4 stars). 4 submissions from 4 submitters: Uncertain significance (3). 1 of the submissions does not count toward it. Last evaluated 2024-02-14.

Conditions:
Cystinuria (CSNU). Also called: CYSTINURIA, TYPE I; CYSTINURIA, TYPE II; CYSTINURIA, TYPE III; Cystinuria, non-type I. Identifiers: Orphanet 214, MedGen C0010691, MONDO:0009067, OMIM 220100, HP:0003131.

Allele frequency attached by ClinVar (database versions not stated): ESP Exome Variant Server 0.00008; gnomAD exomes 0.00014; TOPMed 0.00014; ExAC 0.00016.
gnomAD v4.1: 316 of 1,613,112 alleles (0.02%); highest among the groups gnomAD compares: Non-Finnish European, 0.025%; no homozygotes.

Submissions (4):

Fulgent Genetics
Classification: Uncertain significance for Cystinuria. Last evaluated: 2024-02-14. Review status: criteria provided, single submitter. Criteria: ACMG Guidelines, 2015. Collection method: clinical testing. Allele origin: germline.

Blueprint Genetics
Classification: Uncertain significance. Last evaluated: 2022-08-25. Review status: criteria provided, single submitter. Criteria: ACMG Guidelines, 2015. Collection method: clinical testing. Allele origin: germline.

Labcorp Genetics (formerly Invitae), Labcorp
Classification: Uncertain significance. Last evaluated: 2021-12-24. Review status: criteria provided, single submitter. Criteria: Invitae Variant Classification Sherloc (09022015). Collection method: clinical testing. Allele origin: germline.
Comment: This sequence change replaces valine, which is neutral and non-polar, with methionine, which is neutral and non-polar, at codon 330 of the SLC7A9 protein (p.Val330Met). This variant is present in population databases (rs201618022, gnomAD 0.03%). This missense change has been observed in individual(s) with cystinuria (PMID: 12820697). In at least one individual the data is consistent with being in trans (on the opposite chromosome) from a pathogenic variant. ClinVar contains an entry for this variant (Variation ID: 161392). Algorithms developed to predict the effect of missense changes on protein structure and function are either unavailable or do not agree on the potential impact of this missense change (SIFT: "Tolerated"; PolyPhen-2: "Probably Damaging"; Align-GVGD: "Class C0"). In summary, the available evidence is currently insufficient to determine the role of this variant in disease. Therefore, it has been classified as a Variant of Uncertain Significance.

CSER _CC_NCGL, University of Washington
Classification: Uncertain significance for Cystinuria. Last evaluated: 2014-06-01. Review status: no assertion criteria provided. Collection method: research. Allele origin: germline. Inheritance: Autosomal recessive inheritance. Study: ESP 6500 variant annotation. Not counted in ClinVar's aggregate classification.
Comment: Variants classified for the Actionable exomic incidental findings in 6503 participants: challenges of variant classification manuscript

Literature cited by the submitters: PubMed 12820697 (cited by Labcorp Genetics (formerly Invitae), Labcorp).